The following is an entry in ClinVar:

NM_018136.5(ASPM):c.3185_3189del (p.Asn1062fs)

Gene: ASPM (assembly factor for spindle microtubules; minus strand). Cytogenetic location: 1q31.3.
Variant type: Deletion.
Coding change: c.3185_3189del on transcript NM_018136.5 (MANE Select); coding-DNA positions 3185 to 3189, 5 bases deleted (ACTTA; older notation c.3185_3189delACTTA).
Protein change: p.Asn1062fs; shifts the reading frame from asparagine 1062.
Molecular consequence: frameshift variant.
Genome position (GRCh38, 1-based): chr1:197,124,311-197,124,315, TAAGT deleted on the plus strand (ACTTA on the coding strand, the reverse complement: ASPM is on the minus strand); deleting any 5 consecutive bases within chr1:197,124,311-197,124,319 gives the same sequence; the c. name uses the placement nearest the transcript's 3' end. VCF-style (leftmost placement, unchanged base first): chr1-197124310-CTAAGT-C. GRCh37 (hg19) VCF-style: chr1-197093440-CTAAGT-C.
Other names: c.3185_3189del, p.Asn1062fs (NM_001206846.2); short protein forms N1062fs.
Identifiers: ClinVar variation 2910130 (VCV002910130.3), dbSNP rs2527352424, ClinGen allele CA2586964488.
Genomic context (GRCh38, chr1:197,124,310, plus strand): 5'-ATATTGTTTTCTTTATACTCTTTGTGTGTTTTAGAAAGGCAATTTCTTCCTTTAATTGAT[CTAAGT>C]TAAGGGAAATATCCACCTAAAACAAACACAAAAAAAGATAAATACCTTCATATTTTCCAT-3'

ClinVar aggregate classification (germline): Pathogenic (1 of 4 stars; one submission).

Submission:

Labcorp Genetics (formerly Invitae), Labcorp
Classification: Pathogenic. Last evaluated: 2025-10-23. Review status: criteria provided, single submitter. Criteria: Invitae Variant Classification Sherloc (09022015). Collection method: clinical testing. Allele origin: germline.
Comment: This sequence change creates a premature translational stop signal (p.Asn1062Argfs*28) in the ASPM gene. It is expected to result in an absent or disrupted protein product. Loss-of-function variants in ASPM are known to be pathogenic (PMID: 19028728, 23611254). This variant is not present in population databases (gnomAD no frequency). This premature translational stop signal has been observed in individual(s) with clinical features of primary microcephaly (PMID: 29243349). ClinVar contains an entry for this variant (Variation ID: 2910130). For these reasons, this variant has been classified as Pathogenic.

Literature cited by the submitters: PubMed 19028728; PubMed 23611254; PubMed 29243349.